The following is an entry in ClinVar:

ClinVar aggregate classification (germline): Benign/Likely benign. Review status: criteria provided, multiple submitters, no conflicts (2 of 4 stars). 3 submissions from 3 submitters: Benign (1); Likely benign (2). Last evaluated 2026-07-16.

Conditions:
Hereditary cancer-predisposing syndrome. Also called: Hereditary neoplastic syndrome; Neoplastic Syndromes, Hereditary; Tumor predisposition; Hereditary Cancer Syndrome. Identifiers: Orphanet 140162, MedGen C0027672, MeSH D009386, MONDO:0015356.
Rhabdoid tumor predisposition syndrome 2 (RTPS2). Identifiers: Orphanet 231108, Orphanet 69077, MedGen C2750074, MONDO:0013224, OMIM 613325.

Allele frequency attached by ClinVar (database versions not stated): gnomAD exomes below 0.00001; gnomAD 0.00001; ESP Exome Variant Server 0.00008; TOPMed below 0.00001.
gnomAD v4.1: 2 of 1,611,924 alleles (0.00012%); highest among the groups gnomAD compares: African/African-American, 0.0027%; no homozygotes.

Submissions (3):

Myriad Genetics, Inc.
Classification: Benign for Rhabdoid tumor predisposition syndrome 2. Last evaluated: 2026-07-16. Review status: criteria provided, single submitter. Criteria: Myriad Autosomal Dominant, Autosomal Recessive and X-Linked Classification Criteria (2023). Collection method: clinical testing. Allele origin: unknown.
Comment: This variant is considered benign. This variant is a silent/synonymous amino acid change and it is not expected to impact splicing.

Labcorp Genetics (formerly Invitae), Labcorp
Classification: Likely benign for Rhabdoid tumor predisposition syndrome 2. Last evaluated: 2025-09-17. Review status: criteria provided, single submitter. Criteria: Invitae Variant Classification Sherloc (09022015). Collection method: clinical testing. Allele origin: germline.

Ambry Genetics
Classification: Likely benign for Hereditary cancer-predisposing syndrome. Last evaluated: 2021-02-23. Review status: criteria provided, single submitter. Criteria: Ambry Variant Classification Scheme 2023. Collection method: clinical testing. Allele origin: germline.

NM_003072.5(SMARCA4):c.4161G>A (p.Gln1387=)

Gene: SMARCA4 (SWI/SNF related BAF chromatin remodeling complex subunit ATPase 4; plus strand). Cytogenetic location: 19p13.2.
Variant type: single nucleotide variant.
Coding change: c.4161G>A on transcript NM_003072.5 (MANE Select); coding-DNA position 4161, G replaced by A.
Protein change: p.Gln1387=; no amino-acid change (glutamine 1387 retained).
Molecular consequence: synonymous variant. On other transcripts: non-coding transcript variant (1).
Genome position (GRCh38, 1-based): chr19:11,035,123, G>A. VCF-style: chr19-11035123-G-A. GRCh37 (hg19) VCF-style: chr19-11145799-G-A.
Other names: c.4161G>A, p.Gln1387= (NM_001128844.3, NM_001128849.3); c.4062G>A, p.Gln1354= (NM_001128845.2, NM_001128846.2, NM_001128847.4 and 2 more transcripts).
Identifiers: ClinVar variation 749433 (VCV000749433.14), dbSNP rs139551264, ClinGen allele CA305291560.